The following is an entry in ClinVar:

ClinVar aggregate classification (germline): Uncertain significance (1 of 4 stars; one submission).

Submission:

GeneDx
Classification: Uncertain significance. Last evaluated: 2026-02-25. Review status: criteria provided, single submitter. Criteria: GeneDx Variant Classification Process June 2021. Collection method: clinical testing. Allele origin: germline.
Comment: Not observed at significant frequency in large population cohorts (gnomAD); In silico analysis suggests that this missense variant does not alter protein structure/function; Has not been previously published as pathogenic or benign to our knowledge

NM_006005.3(WFS1):c.890T>A (p.Met297Lys)

Gene: WFS1 (wolframin ER transmembrane glycoprotein; plus strand). Cytogenetic location: 4p16.1.
Variant type: single nucleotide variant.
Coding change: c.890T>A on transcript NM_006005.3 (MANE Select); coding-DNA position 890, T replaced by A.
Protein change: p.Met297Lys; replaces methionine 297 with lysine.
Molecular consequence: missense variant.
Genome position (GRCh38, 1-based): chr4:6,300,685, T>A. VCF-style: chr4-6300685-T-A. GRCh37 (hg19) VCF-style: chr4-6302412-T-A.
Other names: c.890T>A, p.Met297Lys (NM_001145853.1); short protein forms M297K.
Identifiers: ClinVar variation 5009908 (VCV005009908.1).